The following is an entry in ClinVar:

NM_000540.3(RYR1):c.6340C>A (p.Pro2114Thr)

Gene: RYR1 (ryanodine receptor 1; plus strand). Cytogenetic location: 19q13.2.
Variant type: single nucleotide variant.
Coding change: c.6340C>A on transcript NM_000540.3 (MANE Select); coding-DNA position 6340, C replaced by A.
Protein change: p.Pro2114Thr; replaces proline 2114 with threonine.
Molecular consequence: missense variant.
Genome position (GRCh38, 1-based): chr19:38,494,417, C>A. VCF-style: chr19-38494417-C-A. GRCh37 (hg19) VCF-style: chr19-38985057-C-A.
Other names: c.6340C>A, p.Pro2114Thr (NM_001042723.2); short protein forms P2114T.
Identifiers: ClinVar variation 2585584 (VCV002585584.1), dbSNP rs1469765126, ClinGen allele CA405663598.

ClinVar aggregate classification (germline): Uncertain significance (1 of 4 stars; one submission).

Conditions:
Central core myopathy (CMYO1A). Also called: CONGENITAL MYOPATHY 1A, AUTOSOMAL DOMINANT, WITH SUSCEPTIBILITY TO MALIGNANT HYPERTHERMIA; Central core disease; Myopathy, central fibrillar. Identifiers: Orphanet 597, MedGen C5830701, MONDO:0007294, OMIM 117000.

Submission:

Neuberg Centre For Genomic Medicine, NCGM
Classification: Uncertain significance for Central core myopathy. Review status: criteria provided, single submitter. Criteria: ACMG Guidelines, 2015. Collection method: clinical testing. Allele origin: germline. Inheritance: Autosomal dominant inheritance. Affected: yes.
Comment: The missense variant c.6340C>A (p.Pro2114Thr) in RYR1 gene has not been reported previously as a pathogenic variant nor as a benign variant, to our knowledge. This variant is novel (not in any individuals) in gnomAD Exomes and 1000 Genomes. The amino acid Proline at position 2114 is changed to a Threonine changing protein sequence and it might alter its composition and physico-chemical properties. The residue is conserved across species. For these reasons, this variant has been classified as Uncertain Significance.